The following is an entry in ClinVar:

NM_001386298.1(CIC):c.3812G>T (p.Ser1271Ile)

Gene: CIC (capicua transcriptional repressor; plus strand). Cytogenetic location: 19q13.2.
Variant type: single nucleotide variant.
Coding change: c.3812G>T on transcript NM_001386298.1 (MANE Select); coding-DNA position 3812, G replaced by T.
Protein change: p.Ser1271Ile; replaces serine 1271 with isoleucine.
Molecular consequence: missense variant.
Genome position (GRCh38, 1-based): chr19:42,289,041, G>T. VCF-style: chr19-42289041-G-T. GRCh37 (hg19) VCF-style: chr19-42793193-G-T.
Other names: c.3812G>T, p.Ser1271Ile (NM_001304815.2, NM_001379480.1, NM_001379482.1 and 1 more transcripts); c.1085G>T, p.Ser362Ile (NM_001379484.1, NM_001379485.1, NM_015125.5); short protein forms S1271I, S362I.
Identifiers: ClinVar variation 2649984 (VCV002649984.24), dbSNP rs2513879594, ClinGen allele CA406102041.

ClinVar aggregate classification (germline): Uncertain significance (1 of 4 stars; one submission).

Submission:

CeGaT Center for Human Genetics Tuebingen
Classification: Uncertain significance. Last evaluated: 2023-10-01. Review status: criteria provided, single submitter. Criteria: CeGaT Center For Human Genetics Tuebingen Variant Classification Criteria Version 2. Collection method: clinical testing. Allele origin: germline. Affected: yes. Observed: 1 variant allele.
Comment: CIC: PM2